The following is an entry in ClinVar:

ClinVar aggregate classification (germline): Uncertain significance (1 of 4 stars; one submission).

Conditions:
Hereditary cancer-predisposing syndrome. Also called: Hereditary neoplastic syndrome; Neoplastic Syndromes, Hereditary; Tumor predisposition; Hereditary Cancer Syndrome. Identifiers: Orphanet 140162, MedGen C0027672, MeSH D009386, MONDO:0015356.

Submission:

Ambry Genetics
Classification: Uncertain significance for Hereditary cancer-predisposing syndrome. Last evaluated: 2025-08-27. Review status: criteria provided, single submitter. Criteria: Ambry Variant Classification Scheme 2023. Collection method: clinical testing. Allele origin: germline.
Comment: The p.L544P variant (also known as c.1631T>C), located in coding exon 16 of the MUTYH gene, results from a T to C substitution at nucleotide position 1631. The leucine at codon 544 is replaced by proline, an amino acid with similar properties. This amino acid position is conserved. In addition, the in silico prediction for this alteration is inconclusive. Based on the available evidence, the clinical significance of this variant remains unclear.

NM_001048174.2(MUTYH):c.1547T>C (p.Leu516Pro)

Gene: MUTYH (mutY DNA glycosylase; minus strand). Cytogenetic location: 1p34.1.
Variant type: single nucleotide variant.
Coding change: c.1547T>C on transcript NM_001048174.2 (MANE Select); coding-DNA position 1547, T replaced by C.
Protein change: p.Leu516Pro; replaces leucine 516 with proline.
Molecular consequence: missense variant. On other transcripts: non-coding transcript variant (7).
Genome position (GRCh38, 1-based): chr1:45,329,325, A>G on the plus strand (T>C on the coding strand, the complement: MUTYH is on the minus strand). VCF-style: chr1-45329325-A-G. GRCh37 (hg19) VCF-style: chr1-45794997-A-G.
Other names: c.1202T>C, p.Leu401Pro (NM_001350650.2, NM_001350651.2, NM_001407082.1); c.1580T>C, p.Leu527Pro (NM_001407069.1, NM_001407077.1, NM_001293191.2); c.1547T>C, p.Leu516Pro (NM_001407070.1, NM_001407072.1, NM_001407073.1 and 6 more transcripts); c.1550T>C, p.Leu517Pro (NM_001407071.1, NM_001407078.1, NM_001048172.2 and 1 more transcripts); c.1463T>C, p.Leu488Pro (NM_001407075.1); c.1631T>C, p.Leu544Pro (NM_001128425.2); c.1592T>C, p.Leu531Pro (NM_001293190.2); c.1271T>C, p.Leu424Pro (NM_001293192.2, NM_001293196.2, NM_001407091.1); and 5 more; short protein forms L424P, L527P, L544P, L517P, L401P, L488P, L503P, L516P.
Identifiers: ClinVar variation 4113470 (VCV004113470.1).
Genomic context (GRCh38, chr1:45,329,325, plus strand): 5'-CTAACAACAGGATTCTCAGGGAATGGGGGCTTTCAGAGGTGTCACTGGGCTGCACTGTTG[A>G]GGCTGTGTGCATCAGTGGAGATGTGAGACCGAAAGAAATTATCCAGGACTTGCTGGCCCA-3'
Protein context (NP_001041639.1, residues 506-521): RSHISTDAHS[Leu516Pro]NSAAQ